The following is an entry in ClinVar:

ClinVar aggregate classification (germline): Uncertain significance (1 of 4 stars; one submission).

Conditions:
Immunodeficiency, common variable, 10. Also called: IMMUNODEFICIENCY, COMMON VARIABLE, WITH CENTRAL ADRENAL INSUFFICIENCY; DEFICIT IN ANTERIOR PITUITARY FUNCTION AND VARIABLE IMMUNODEFICIENCY. Identifiers: MedGen C3809991, MONDO:0014260, OMIM 615577.

Submission:

Labcorp Genetics (formerly Invitae), Labcorp
Classification: Uncertain significance for Immunodeficiency, common variable, 10. Last evaluated: 2023-07-20. Review status: criteria provided, single submitter. Criteria: Invitae Variant Classification Sherloc (09022015). Collection method: clinical testing. Allele origin: germline.
Comment: This variant has not been reported in the literature in individuals affected with NFKB2-related conditions. In summary, the available evidence is currently insufficient to determine the role of this variant in disease. Therefore, it has been classified as a Variant of Uncertain Significance. An algorithm developed to predict the effect of missense changes on protein structure and function (PolyPhen-2) suggests that this variant is likely to be disruptive. This variant is not present in population databases (gnomAD no frequency). This sequence change replaces tyrosine, which is neutral and polar, with aspartic acid, which is acidic and polar, at codon 5 of the NFKB2 protein (p.Tyr5Asp).

NM_001322934.2(NFKB2):c.13T>G (p.Tyr5Asp)

Gene: NFKB2 (nuclear factor kappa B subunit 2; plus strand). Cytogenetic location: 10q24.32.
Variant type: single nucleotide variant.
Coding change: c.13T>G on transcript NM_001322934.2 (MANE Select); coding-DNA position 13, T replaced by G.
Protein change: p.Tyr5Asp; replaces tyrosine 5 with aspartic acid.
Molecular consequence: missense variant.
Genome position (GRCh38, 1-based): chr10:102,395,972, T>G. VCF-style: chr10-102395972-T-G. GRCh37 (hg19) VCF-style: chr10-104155729-T-G.
Other names: c.13T>G, p.Tyr5Asp (NM_001322935.1, NM_002502.6, NM_001077493.1 and 3 more transcripts); short protein forms Y5D.
Identifiers: ClinVar variation 2982582 (VCV002982582.3), dbSNP rs1455622222, ClinGen allele CA377895696.